The following is an entry in ClinVar:

ClinVar aggregate classification (germline): not provided (0 of 4 stars; one submission).

Allele frequency attached by ClinVar (database versions not stated): TOPMed 0.00001; ExAC 0.00002; gnomAD 0.00003; 1000 Genomes Project 30x 0.00016; 1000 Genomes Project 0.00020.
gnomAD v4.1: 12 of 1,613,232 alleles (0.00074%); highest among the groups gnomAD compares: Middle Eastern, 0.017%; no homozygotes.

Submission:

ITMI
No classification provided. Condition: AllHighlyPenetrant. Last evaluated: 2013-09-19. Review status: no classification provided. Collection method: reference population. Allele origin: germline.
Comment: Please see associated publication for description of ethnicities

Literature cited by the submitters: PubMed 24728327.

NM_001198.4(PRDM1):c.1148C>T (p.Thr383Met)

Gene: PRDM1 (PR/SET domain 1; plus strand). Cytogenetic location: 6q21.
Variant type: single nucleotide variant.
Coding change: c.1148C>T on transcript NM_001198.4 (MANE Select); coding-DNA position 1148, C replaced by T.
Protein change: p.Thr383Met; replaces threonine 383 with methionine.
Molecular consequence: missense variant.
Genome position (GRCh38, 1-based): chr6:106,105,308, C>T. VCF-style: chr6-106105308-C-T. GRCh37 (hg19) VCF-style: chr6-106553183-C-T.
Other names: c.746C>T, p.Thr249Met (NM_182907.3); short protein forms T383M, T249M.
Identifiers: ClinVar variation 135082 (VCV000135082.1), dbSNP rs548489075, ClinGen allele CA161630.
Genomic context (GRCh38, chr6:106,105,308, plus strand): 5'-TGGGCCCCGGCTCTCAAGAGCACCGGGACTCCTACGCTTACTTGAACGCGTCCTACGGCA[C>T]GGAAGGTTTGGGCTCCTACCCTGGCTACGCACCCCTGCCCCACCTCCCGCCAGCTTTCAT-3'
Protein context (NP_001189.2, residues 373-393): SYAYLNASYG[Thr383Met]EGLGSYPGYA